The following is an entry in ClinVar:

NM_002972.4(SBF1):c.1856A>G (p.Gln619Arg)

Gene: SBF1 (SET binding factor 1; minus strand). Cytogenetic location: 22q13.33.
Variant type: single nucleotide variant.
Coding change: c.1856A>G on transcript NM_002972.4 (MANE Select); coding-DNA position 1856, A replaced by G.
Protein change: p.Gln619Arg; replaces glutamine 619 with arginine.
Molecular consequence: missense variant.
Genome position (GRCh38, 1-based): chr22:50,463,326, T>C on the plus strand (A>G on the coding strand, the complement: SBF1 is on the minus strand). VCF-style: chr22-50463326-T-C. GRCh37 (hg19) VCF-style: chr22-50901755-T-C.
Other names: c.1859A>G, p.Gln620Arg (NM_001365819.1, NM_001410794.1); c.1856A>G, p.Gln619Arg (NM_001410795.1, NM_197971.1); short protein forms Q619R, Q620R.
Identifiers: ClinVar variation 2132982 (VCV002132982.4), dbSNP rs2521966605, ClinGen allele CA412214873.

ClinVar aggregate classification (germline): Uncertain significance (1 of 4 stars; one submission).

Submission:

Labcorp Genetics (formerly Invitae), Labcorp
Classification: Uncertain significance. Last evaluated: 2022-05-02. Review status: criteria provided, single submitter. Criteria: Invitae Variant Classification Sherloc (09022015). Collection method: clinical testing. Allele origin: germline.
Comment: This sequence change replaces glutamine, which is neutral and polar, with arginine, which is basic and polar, at codon 619 of the SBF1 protein (p.Gln619Arg). This variant is not present in population databases (gnomAD no frequency). This variant has not been reported in the literature in individuals affected with SBF1-related conditions. Algorithms developed to predict the effect of missense changes on protein structure and function are either unavailable or do not agree on the potential impact of this missense change (SIFT: "Tolerated"; PolyPhen-2: "Possibly Damaging"; Align-GVGD: "Class C0"). In summary, the available evidence is currently insufficient to determine the role of this variant in disease. Therefore, it has been classified as a Variant of Uncertain Significance.